The following is an entry in ClinVar:

ClinVar aggregate classification (germline): Pathogenic/Likely pathogenic. Review status: criteria provided, multiple submitters, no conflicts (2 of 4 stars). 3 submissions from 3 submitters: Pathogenic (1); Likely pathogenic (2). Last evaluated 2026-08-06.

Conditions:
Hereditary acrodermatitis enteropathica (AEZ). Also called: Acrodermatitis enteropathica. Identifiers: Orphanet 37, MedGen C0221036, MONDO:0008713, OMIM 201100.

Submissions (3):

OLLIN Analises Genomicas, OLLIN
Classification: Likely pathogenic. Last evaluated: 2026-08-06. Review status: criteria provided, single submitter. Criteria: ACMG Guidelines 2015 PMID 25741868. Collection method: clinical testing. Allele origin: germline.
Comment: This frameshift variant, located in exon 8 (of 12), has been reported in ClinVar (accession VCV001410913.7) and in gnomAD with an allele frequency of 0.00019%. However, to our knowledge, it has not been reported in the scientific literature. This variant causes a frameshift and introduces a premature stop codon, which is predicted to result in either a truncated protein or degradation of the mRNA via nonsense-mediated decay (NMD). According to the currently available evidence, this variant has been classified as likely pathogenic (PVS1, PM2_P).

Natera, Inc.
Classification: Likely pathogenic for Acrodermatitis enteropathica. Last evaluated: 2025-07-14. Review status: criteria provided, single submitter. Criteria: Natera Variant Classification Schema (03/2026). Collection method: clinical testing. Allele origin: germline.
Comment: The c.1396dup variant in SLC39A4 is a frameshift variant predicted to shift the reading frame beginning at codon 466 and leads to a stop codon 20 codons downstream. This variant is expected to result in nonsense mediated decay, truncation, or a dysfunctional protein product. This variant is rare in the general population with a frequency below the threshold expected for the associated phenotype(s). Given the available evidence, this variant is classified as Likely Pathogenic.

Labcorp Genetics (formerly Invitae), Labcorp
Classification: Pathogenic. Last evaluated: 2024-03-10. Review status: criteria provided, single submitter. Criteria: Invitae Variant Classification Sherloc (09022015). Collection method: clinical testing. Allele origin: germline.
Comment: This sequence change creates a premature translational stop signal (p.His466Profs*20) in the SLC39A4 gene. It is expected to result in an absent or disrupted protein product. Loss-of-function variants in SLC39A4 are known to be pathogenic (PMID: 12955721). The frequency data for this variant in the population databases is considered unreliable, as metrics indicate poor data quality at this position in the gnomAD database. This variant has not been reported in the literature in individuals affected with SLC39A4-related conditions. ClinVar contains an entry for this variant (Variation ID: 1410913). For these reasons, this variant has been classified as Pathogenic.

Literature cited by the submitters: PubMed 12955721 (cited by Labcorp Genetics (formerly Invitae), Labcorp).

NM_130849.4(SLC39A4):c.1396dup (p.His466fs)

Gene: SLC39A4 (solute carrier family 39 member 4; minus strand). Cytogenetic location: 8q24.3.
Variant type: Duplication.
Coding change: c.1396dup on transcript NM_130849.4 (MANE Select); coding-DNA position 1396, one base duplicated (C; older notation c.1396dupC).
Protein change: p.His466fs; shifts the reading frame from histidine 466.
Molecular consequence: frameshift variant.
Genome position (GRCh38, 1-based): chr8:144,413,773, G duplicated on the plus strand (C on the coding strand, the reverse complement: SLC39A4 is on the minus strand); the first of 7 consecutive G bases (chr8:144,413,773-144,413,779); duplicating any one gives the same sequence. VCF-style (leftmost placement, unchanged base first): chr8-144413772-T-TG. GRCh37 (hg19) VCF-style: chr8-145639156-T-TG.
Other names: c.1396dup (NM_130849.3); c.1114dup, p.His372fs (NM_001374839.1); c.1321dup, p.His441fs (NM_017767.3); short protein forms H441fs, H466fs, H372fs.
Identifiers: ClinVar variation 1410913 (VCV001410913.8), dbSNP rs782002895, ClinGen allele CA4941245.